The following is an entry in ClinVar:

NM_005089.4(ZRSR2):c.203+1470G>A

Gene: ZRSR2 (zinc finger CCCH-type, RNA binding motif and serine/arginine rich 2; plus strand). Cytogenetic location: Xp22.2.
Variant type: single nucleotide variant.
Coding change: c.203+1470G>A on transcript NM_005089.4 (MANE Select); 1470 bases into the intron after coding-DNA position 203, G replaced by A.
Molecular consequence: intron variant.
Genome position (GRCh38, 1-based): chrX:15,801,423, G>A. VCF-style: chrX-15801423-G-A. GRCh37 (hg19) VCF-style: chrX-15819546-G-A.
Identifiers: ClinVar variation 4534042 (VCV004534042.6).
Genomic context (GRCh38, chrX:15,801,423, plus strand): 5'-GGATTACAGGCACGCACCGCCACACCCAGTTAATTTTTTTTTGTACTTTTAGTAGAGATG[G>A]GGTTTCACCATGTTGGCCAGGATGGTCTCGATCTCTTGACCTCATGATCTGCCCGCCTCG-3'

ClinVar aggregate classification (germline): Uncertain significance (1 of 4 stars; one submission).

Submission:

CeGaT Center for Human Genetics Tuebingen
Classification: Uncertain significance. Last evaluated: 2025-10-01. Review status: criteria provided, single submitter. Criteria: CeGaT Center For Human Genetics Tuebingen Variant Classification Criteria Version 2. Collection method: clinical testing. Allele origin: germline. Affected: yes. Observed: 1 variant allele.
Comment: ZRSR2: PM2, BP4